The following is an entry in ClinVar:

ClinVar aggregate classification (germline): Uncertain significance (1 of 4 stars; one submission).

Conditions:
Developmental and epileptic encephalopathy, 2 (DEE2). Also called: INFANTILE SPASM SYNDROME, X-LINKED 2; CDKL5 deficiency disorder. Identifiers: Orphanet 1934, Orphanet 3451, Orphanet 505652, MedGen C4750718, MONDO:0010396, OMIM 300672.
Angelman syndrome-like. Identifiers: MedGen CN128785.

Submission:

Labcorp Genetics (formerly Invitae), Labcorp
Classification: Uncertain significance for Developmental and epileptic encephalopathy, 2; Angelman syndrome-like. Last evaluated: 2024-05-21. Review status: criteria provided, single submitter. Criteria: Invitae Variant Classification Sherloc (09022015). Collection method: clinical testing. Allele origin: germline.
Comment: This sequence change replaces aspartic acid, which is acidic and polar, with glycine, which is neutral and non-polar, at codon 724 of the CDKL5 protein (p.Asp724Gly). This variant is not present in population databases (gnomAD no frequency). This variant has not been reported in the literature in individuals affected with CDKL5-related conditions. ClinVar contains an entry for this variant (Variation ID: 2071529). Advanced modeling of protein sequence and biophysical properties (such as structural, functional, and spatial information, amino acid conservation, physicochemical variation, residue mobility, and thermodynamic stability) performed at Invitae indicates that this missense variant is not expected to disrupt CDKL5 protein function with a negative predictive value of 95%. In summary, the available evidence is currently insufficient to determine the role of this variant in disease. Therefore, it has been classified as a Variant of Uncertain Significance.

NM_001323289.2(CDKL5):c.2171A>G (p.Asp724Gly)

Gene: CDKL5 (cyclin dependent kinase like 5; plus strand). Cytogenetic location: Xp22.13.
Variant type: single nucleotide variant.
Coding change: c.2171A>G on transcript NM_001323289.2 (MANE Select); coding-DNA position 2171, A replaced by G.
Protein change: p.Asp724Gly; replaces aspartic acid 724 with glycine.
Molecular consequence: missense variant.
Genome position (GRCh38, 1-based): chrX:18,613,170, A>G. VCF-style: chrX-18613170-A-G. GRCh37 (hg19) VCF-style: chrX-18631290-A-G.
Other names: c.2171A>G, p.Asp724Gly (NM_001037343.2, NM_003159.3); short protein forms D724G.
Identifiers: ClinVar variation 2071529 (VCV002071529.4), dbSNP rs1926616572, ClinGen allele CA412367899.